The following is an entry in ClinVar:

ClinVar aggregate classification (germline): Benign/Likely benign. Review status: criteria provided, multiple submitters, no conflicts (2 of 4 stars). 5 submissions from 5 submitters: Benign (1); Likely benign (3). 1 of the submissions does not count toward it. Last evaluated 2026-03-05.

Conditions:
Inborn genetic diseases. Identifiers: MedGen C0950123, MeSH D030342.
TRIO-related disorder. Also called: TRIO-related condition; TRIO-related disorders.

Allele frequency attached by ClinVar (database versions not stated): gnomAD exomes 0.00004 and 0.00010; ExAC 0.00013; 1000 Genomes Project 30x 0.00016; 1000 Genomes Project 0.00020; gnomAD 0.00034 and 0.00038; TOPMed 0.00035; ESP Exome Variant Server 0.00062.
gnomAD v4.1: 114 of 1,613,632 alleles (0.0071%); highest among the groups gnomAD compares: African/African-American, 0.13%; no homozygotes.

Submissions (5):

Women's Health and Genetics/Laboratory Corporation of America, LabCorp
Classification: Likely benign. Last evaluated: 2026-03-05. Review status: criteria provided, single submitter. Criteria: LabCorp Variant Classification Summary - May 2015. Collection method: clinical testing. Allele origin: germline.
Comment: Variant summary: TRIO c.7871G>A (p.Gly2624Glu) results in a non-conservative amino acid change in the encoded protein sequence. Algorithms developed to predict the effect of missense changes on protein structure and function are either unavailable or do not agree on the potential impact of this missense change. The variant allele was found at a frequency of 9.6e-05 in 249640 control chromosomes, predominantly at a frequency of 0.0012 within the African or African-American subpopulation in the gnomAD database. The observed variant frequency within African or African-American control individuals in the gnomAD database exceeds the estimated maximal expected allele frequency for disease-causing variants in TRIO. To our knowledge, no occurrence of c.7871G>A in individuals affected with TRIO-related conditions and no experimental evidence demonstrating its impact on protein function have been reported. ClinVar contains an entry for this variant (Variation ID: 1286077). Based on the evidence outlined above, the variant was classified as likely benign.

Ambry Genetics
Classification: Likely benign for Inborn genetic diseases. Last evaluated: 2024-06-05. Review status: criteria provided, single submitter. Criteria: Ambry Variant Classification Scheme 2023. Collection method: clinical testing. Allele origin: germline.

CeGaT Center for Human Genetics Tuebingen
Classification: Likely benign. Last evaluated: 2023-07-01. Review status: criteria provided, single submitter. Criteria: CeGaT Center For Human Genetics Tuebingen Variant Classification Criteria Version 2. Collection method: clinical testing. Allele origin: germline. Affected: yes. Observed: 1 variant allele.
Comment: TRIO: BS1

GeneDx
Classification: Benign. Last evaluated: 2020-02-19. Review status: criteria provided, single submitter. Criteria: GeneDx Variant Classification Process June 2021. Collection method: clinical testing. Allele origin: germline. Affected: yes.

PreventionGenetics, part of Exact Sciences
Classification: Likely benign for TRIO-related condition. Last evaluated: 2023-05-17. Review status: no assertion criteria provided. Collection method: clinical testing. Allele origin: germline. Not counted in ClinVar's aggregate classification.
Comment: This variant is classified as likely benign based on ACMG/AMP sequence variant interpretation guidelines (Richards et al. 2015 PMID: 25741868, with internal and published modifications).

NM_007118.4(TRIO):c.7871G>A (p.Gly2624Glu)

Gene: TRIO (trio Rho guanine nucleotide exchange factor; plus strand). Cytogenetic location: 5p15.2.
Variant type: single nucleotide variant.
Coding change: c.7871G>A on transcript NM_007118.4 (MANE Select); coding-DNA position 7871, G replaced by A.
Protein change: p.Gly2624Glu; replaces glycine 2624 with glutamic acid.
Molecular consequence: missense variant. On other transcripts: non-coding transcript variant (1).
Genome position (GRCh38, 1-based): chr5:14,492,805, G>A. VCF-style: chr5-14492805-G-A. GRCh37 (hg19) VCF-style: chr5-14492914-G-A.
Other names: c.7871G>A (NM_007118.3); short protein forms G2624E.
Identifiers: ClinVar variation 1286077 (VCV001286077.28), dbSNP rs149134122, ClinGen allele CA3207635.